The following is an entry in ClinVar:

NM_000094.4(COL7A1):c.8711G>A (p.Cys2904Tyr)

Gene: COL7A1 (collagen type VII alpha 1 chain; minus strand). Cytogenetic location: 3p21.31.
Variant type: single nucleotide variant.
Coding change: c.8711G>A on transcript NM_000094.4 (MANE Select); coding-DNA position 8711, G replaced by A.
Protein change: p.Cys2904Tyr; replaces cysteine 2904 with tyrosine.
Molecular consequence: missense variant.
Genome position (GRCh38, 1-based): chr3:48,564,890, C>T on the plus strand (G>A on the coding strand, the complement: COL7A1 is on the minus strand). VCF-style: chr3-48564890-C-T. GRCh37 (hg19) VCF-style: chr3-48602323-C-T.
Other names: short protein forms C2904Y.
Identifiers: ClinVar variation 5004743 (VCV005004743.1).
Genomic context (GRCh38, chr3:48,564,890, plus strand): 5'-GCCTCACGGGTCCCAAAACGGTTGGCATTCCCTCCACAGCCACCATAGACAAAAGGGTGA[C>T]AGGCCTCTGTGCTGCCTGTCACAGCCCGATGGTACCAGCGCAGGGTGTAGGCAGTGCAGG-3'
Protein context (NP_000085.1, residues 2894-2914): HRAVTGSTEA[Cys2904Tyr]HPFVYGGCGG

ClinVar aggregate classification (germline): Uncertain significance (1 of 4 stars; one submission).

Conditions:
Recessive dystrophic epidermolysis bullosa (RDEB). Also called: Epidermolysis Bullosa Distrophica Autosomal Recessive (RDEB); Recessive DEB (RDEB); DYSTROPHIC EPIDERMOLYSIS BULLOSA, AUTOSOMAL RECESSIVE; EPIDERMOLYSIS BULLOSA DYSTROPHICA, HALLOPEAU-SIEMENS TYPE; severe generalized recessive dystrophic epidermolysis bullosa; epidermolysis bullosa dystrophica, autosomal recessive. Identifiers: Orphanet 79408, Orphanet 79409, MedGen C0079474, MONDO:0009179, OMIM 226600.

Submission:

Myriad Genetics, Inc.
Classification: Uncertain significance for Recessive dystrophic epidermolysis bullosa. Last evaluated: 2026-06-19. Review status: criteria provided, single submitter. Criteria: Myriad Autosomal Dominant, Autosomal Recessive and X-Linked Classification Criteria (2023). Collection method: clinical testing. Allele origin: unknown.
Comment: NM_000094.3(COL7A1):c.8711G>A(C2904Y) is a missense variant classified as a variant of uncertain significance in the context of dystrophic epidermolysis bullosa. C2904Y has not been observed in cases with relevant disease. Relevant functional assessments of this variant are not available in the literature. C2904Y has not been observed in referenced population frequency databases. In summary, there is insufficient evidence to classify NM_000094.3(COL7A1):c.8711G>A(C2904Y) as pathogenic or benign. Please note: this variant was assessed in the context of healthy population screening.